The following is an entry in ClinVar:

ClinVar aggregate classification (germline): Uncertain significance (1 of 4 stars; one submission).

Allele frequency attached by ClinVar (database versions not stated): gnomAD exomes 0.00001; TOPMed 0.00003; gnomAD 0.00004; ExAC 0.00006; 1000 Genomes Project 30x 0.00016; 1000 Genomes Project 0.00020.
gnomAD v4.1: 23 of 1,614,110 alleles (0.0014%); highest among the groups gnomAD compares: South Asian, 0.014%; 1 homozygote.

Submission:

Labcorp Genetics (formerly Invitae), Labcorp
Classification: Uncertain significance. Last evaluated: 2023-03-02. Review status: criteria provided, single submitter. Criteria: Invitae Variant Classification Sherloc (09022015). Collection method: clinical testing. Allele origin: germline.
Comment: In summary, the available evidence is currently insufficient to determine the role of this variant in disease. Therefore, it has been classified as a Variant of Uncertain Significance. Advanced modeling of protein sequence and biophysical properties (such as structural, functional, and spatial information, amino acid conservation, physicochemical variation, residue mobility, and thermodynamic stability) performed at Invitae indicates that this missense variant is not expected to disrupt ELOVL1 protein function. This sequence change replaces arginine, which is basic and polar, with tryptophan, which is neutral and slightly polar, at codon 109 of the ELOVL1 protein (p.Arg109Trp). The frequency data for this variant in the population databases is considered unreliable, as metrics indicate poor data quality at this position in the gnomAD database. This variant has not been reported in the literature in individuals affected with ELOVL1-related conditions. ClinVar contains an entry for this variant (Variation ID: 1967617).

NM_022821.4(ELOVL1):c.325C>T (p.Arg109Trp)

Gene: ELOVL1 (ELOVL fatty acid elongase 1; minus strand). Cytogenetic location: 1p34.2.
Variant type: single nucleotide variant.
Coding change: c.325C>T on transcript NM_022821.4 (MANE Select); coding-DNA position 325, C replaced by T.
Protein change: p.Arg109Trp; replaces arginine 109 with tryptophan.
Molecular consequence: missense variant. On other transcripts: non-coding transcript variant (1).
Genome position (GRCh38, 1-based): chr1:43,364,788, G>A on the plus strand (C>T on the coding strand, the complement: ELOVL1 is on the minus strand). VCF-style: chr1-43364788-G-A. GRCh37 (hg19) VCF-style: chr1-43830459-G-A.
Other names: c.325C>T, p.Arg109Trp (NM_001256399.2); c.244C>T, p.Arg82Trp (NM_001256401.2); c.82C>T, p.Arg28Trp (NM_001256402.2); short protein forms R82W, R109W, R28W.
Identifiers: ClinVar variation 1967617 (VCV001967617.5), dbSNP rs201783931, ClinGen allele CA807632.